The following is an entry in ClinVar:

ClinVar aggregate classification (germline): Uncertain significance (1 of 4 stars; one submission).

Conditions:
Hereditary cancer-predisposing syndrome. Also called: Neoplastic Syndromes, Hereditary; Hereditary Cancer Syndrome; Hereditary neoplastic syndrome; Tumor predisposition. Identifiers: Orphanet 140162, MedGen C0027672, MeSH D009386, MONDO:0015356.

Allele frequency attached by ClinVar (database versions not stated): gnomAD exomes below 0.00001.
gnomAD v4.1: 1 of 1,613,506 alleles (0.000062%); highest among the groups gnomAD compares: Admixed American, 0.0017%; no homozygotes.

Submission:

Ambry Genetics
Classification: Uncertain significance for Hereditary cancer-predisposing syndrome. Last evaluated: 2023-04-05. Review status: criteria provided, single submitter. Criteria: Ambry Variant Classification Scheme 2023. Collection method: clinical testing. Allele origin: germline.
Comment: The c.3939-3C>T intronic variant results from a C to T substitution 3 nucleotides upstream from coding exon 27 in the ALK gene. This nucleotide position is highly conserved in available vertebrate species. In silico splice site analysis predicts that this alteration will not have any significant effect on splicing. Since supporting evidence is limited at this time, the clinical significance of this alteration remains unclear.

NM_004304.5(ALK):c.3939-3C>T

Gene: ALK (ALK receptor tyrosine kinase; minus strand). Cytogenetic location: 2p23.2.
Variant type: single nucleotide variant.
Coding change: c.3939-3C>T on transcript NM_004304.5 (MANE Select); 3 bases into the intron before coding-DNA position 3939, C replaced by T.
Molecular consequence: intron variant.
Genome position (GRCh38, 1-based): chr2:29,197,679, G>A on the plus strand (C>T on the coding strand, the complement: ALK is on the minus strand). VCF-style: chr2-29197679-G-A. GRCh37 (hg19) VCF-style: chr2-29420545-G-A.
Other names: c.735-3C>T (NM_001353765.2).
Identifiers: ClinVar variation 2562263 (VCV002562263.2), dbSNP rs2148143687, ClinGen allele CA2580611261.
Genomic context (GRCh38, chr2:29,197,679, plus strand): 5'-GCTGGGGTATGGCATATATCCAAGAGAAAAGATTTCCCATAGCAGCACTCCAAAGGACCT[G>A]GGCATGGGACAGAGGACATGGAGATGGATATAGACACACCCACCCACATTCACACACACA-3'